The following is an entry in ClinVar:

ClinVar aggregate classification (germline): Conflicting classifications of pathogenicity. Review status: criteria provided, conflicting classifications (1 of 4 stars). 2 submissions from 2 submitters: Uncertain significance (1); Likely benign (1). Last evaluated 2026-01-28.

Conditions:
Capillary malformation-arteriovenous malformation syndrome. Also called: Capillary malformation-arteriovenous malformation. Identifiers: Orphanet 137667, MedGen C1842180, MONDO:0012016.
Cardiovascular phenotype. Identifiers: MedGen CN230736.

Allele frequency attached by ClinVar (database versions not stated): gnomAD 0.00001; gnomAD exomes 0.00002 and 0.00004; TOPMed 0.00002; ExAC 0.00003.
gnomAD v4.1: 11 of 1,603,468 alleles (0.00069%); highest among the groups gnomAD compares: Middle Eastern, 0.017%; no homozygotes.

Submissions (2):

Labcorp Genetics (formerly Invitae), Labcorp
Classification: Uncertain significance for Capillary malformation-arteriovenous malformation syndrome. Last evaluated: 2026-01-28. Review status: criteria provided, single submitter. Criteria: Invitae Variant Classification Sherloc (09022015). Collection method: clinical testing. Allele origin: germline.
Comment: This sequence change replaces isoleucine, which is neutral and non-polar, with valine, which is neutral and non-polar, at codon 475 of the RASA1 protein (p.Ile475Val). This variant is present in population databases (rs757154079, gnomAD 0.03%). This variant has not been reported in the literature in individuals affected with RASA1-related conditions. ClinVar contains an entry for this variant (Variation ID: 1383410). An algorithm developed to predict the effect of missense changes on protein structure and function (PolyPhen-2) suggests that this variant is likely to be disruptive. In summary, the available evidence is currently insufficient to determine the role of this variant in disease. Therefore, it has been classified as a Variant of Uncertain Significance.

Ambry Genetics
Classification: Likely benign for Cardiovascular phenotype. Last evaluated: 2021-11-28. Review status: criteria provided, single submitter. Criteria: Ambry Variant Classification Scheme 2023. Collection method: clinical testing. Allele origin: germline.

NM_002890.3(RASA1):c.1423A>G (p.Ile475Val)

Genes: CCNH (cyclin H; minus strand), RASA1 (RAS p21 protein activator 1; plus strand). Cytogenetic location: 5q14.3.
Variant type: single nucleotide variant.
Coding change: c.1423A>G on transcript NM_002890.3 (MANE Select); coding-DNA position 1423, A replaced by G.
Protein change: p.Ile475Val; replaces isoleucine 475 with valine.
Molecular consequence: missense variant. On other transcripts: intron variant (1).
Genome position (GRCh38, 1-based): chr5:87,362,641, A>G. VCF-style: chr5-87362641-A-G. GRCh37 (hg19) VCF-style: chr5-86658458-A-G.
Other names: c.892A>G, p.Ile298Val (NM_022650.3); c.933+32403T>C (NM_001364075.2); short protein forms I298V, I475V.
Identifiers: ClinVar variation 1383410 (VCV001383410.11), dbSNP rs757154079, ClinGen allele CA3335747.
Genomic context (GRCh38, chr5:87,362,641, plus strand): 5'-GATGGCAAGGAAATCTATAATACCATCCGTCGTAAAACAAAGGATGCCTTTTATAAAAAC[A>G]TTGTTAAGAAAGGTTATCTTCTGAAAAAGGGTAAGTTCAGACTTTTATCATTAACCCATT-3'
Protein context (NP_002881.1, residues 465-485): RKTKDAFYKN[Ile475Val]VKKGYLLKKG